The following is an entry in ClinVar:

ClinVar aggregate classification (germline): Uncertain significance (1 of 4 stars; one submission).

Conditions:
Adams-Oliver syndrome 5 (AOS5). Identifiers: Orphanet 974, MedGen C4014970, MONDO:0014459, OMIM 616028.

gnomAD v4.1: 21 of 1,612,284 alleles (0.0013%); highest among the groups gnomAD compares: Non-Finnish European, 0.0017%; no homozygotes.

Submission:

Labcorp Genetics (formerly Invitae), Labcorp
Classification: Uncertain significance for Adams-Oliver syndrome 5. Last evaluated: 2025-07-18. Review status: criteria provided, single submitter. Criteria: Invitae Variant Classification Sherloc (09022015). Collection method: clinical testing. Allele origin: germline.
Comment: This sequence change falls in intron 21 of the NOTCH1 gene. It does not directly change the encoded amino acid sequence of the NOTCH1 protein. It affects a nucleotide within the consensus splice site. This variant is present in population databases (no rsID available, gnomAD 0.0009%). This variant has not been reported in the literature in individuals affected with NOTCH1-related conditions. ClinVar contains an entry for this variant (Variation ID: 1058715). Variants that disrupt the consensus splice site are a relatively common cause of aberrant splicing (PMID: 17576681, 9536098). Algorithms developed to predict the effect of sequence changes on RNA splicing suggest that this variant may disrupt the consensus splice site. In summary, the available evidence is currently insufficient to determine the role of this variant in disease. Therefore, it has been classified as a Variant of Uncertain Significance.

Literature cited by the submitters: PubMed 17576681; PubMed 9536098.

NM_017617.5(NOTCH1):c.3510+3G>C

Gene: NOTCH1 (notch receptor 1; minus strand). Cytogenetic location: 9q34.3.
Variant type: single nucleotide variant.
Coding change: c.3510+3G>C on transcript NM_017617.5 (MANE Select); 3 bases into the intron after coding-DNA position 3510, G replaced by C.
Molecular consequence: intron variant.
Genome position (GRCh38, 1-based): chr9:136,507,952, C>G on the plus strand (G>C on the coding strand, the complement: NOTCH1 is on the minus strand). VCF-style: chr9-136507952-C-G. GRCh37 (hg19) VCF-style: chr9-139402404-C-G.
Identifiers: ClinVar variation 1058715 (VCV001058715.7), dbSNP rs372739350, ClinGen allele CA591367166.